The following is an entry in ClinVar:

NM_005813.6(PRKD3):c.2261A>C (p.Asn754Thr)

Genes: NDUFAF7 (NADH:ubiquinone oxidoreductase complex assembly factor 7; plus strand), PRKD3 (protein kinase D3; minus strand). Cytogenetic location: 2p22.2.
Variant type: single nucleotide variant.
Coding change: c.2261A>C on transcript NM_005813.6 (MANE Select); coding-DNA position 2261, A replaced by C.
Protein change: p.Asn754Thr; replaces asparagine 754 with threonine.
Molecular consequence: missense variant.
Genome position (GRCh38, 1-based): chr2:37,256,814, T>G on the plus strand (A>C on the coding strand, the complement: PRKD3 is on the minus strand). VCF-style: chr2-37256814-T-G. GRCh37 (hg19) VCF-style: chr2-37483957-T-G.
Other names: short protein forms N754T.
Identifiers: ClinVar variation 4538237 (VCV004538237.1).

ClinVar aggregate classification (germline): Uncertain significance (1 of 4 stars; one submission).

Submission:

Greenwood Genetic Center Diagnostic Laboratories, Greenwood Genetic Center
Classification: Uncertain significance. Last evaluated: 2025-05-14. Review status: criteria provided, single submitter. Criteria: ACMG Guidelines, 2015. Collection method: clinical testing. Allele origin: germline. Affected: yes.
Comment: Gene of Uncertain Significance